The following is an entry in ClinVar:

NM_000222.3(KIT):c.999G>C (p.Leu333Phe)

Gene: KIT (KIT proto-oncogene, receptor tyrosine kinase; plus strand). Cytogenetic location: 4q12.
Variant type: single nucleotide variant.
Coding change: c.999G>C on transcript NM_000222.3 (MANE Select); coding-DNA position 999, G replaced by C.
Protein change: p.Leu333Phe; replaces leucine 333 with phenylalanine.
Molecular consequence: missense variant.
Genome position (GRCh38, 1-based): chr4:54,707,171, G>C. VCF-style: chr4-54707171-G-C. GRCh37 (hg19) VCF-style: chr4-55573337-G-C.
Other names: c.999G>C, p.Leu333Phe (NM_001093772.2, NM_001385285.1, NM_001385286.1); c.1002G>C, p.Leu334Phe (NM_001385284.1, NM_001385288.1, NM_001385290.1 and 1 more transcripts); short protein forms L333F, L334F.
Identifiers: ClinVar variation 5023313 (VCV005023313.1).

ClinVar aggregate classification (germline): Uncertain significance (1 of 4 stars; one submission).

Conditions:
Hereditary cancer-predisposing syndrome. Also called: Neoplastic Syndromes, Hereditary; Tumor predisposition; Hereditary neoplastic syndrome; Hereditary Cancer Syndrome. Identifiers: Orphanet 140162, MedGen C0027672, MeSH D009386, MONDO:0015356.

gnomAD v4.1: 1 of 1,593,748 alleles (0.000063%); highest among the groups gnomAD compares: East Asian, 0.0022%; no homozygotes.

Submission:

Ambry Genetics
Classification: Uncertain significance for Hereditary cancer-predisposing syndrome. Last evaluated: 2026-07-07. Review status: criteria provided, single submitter. Criteria: Ambry Variant Classification Scheme 2023. Collection method: clinical testing. Allele origin: germline.
Comment: The p.L333F variant (also known as c.999G>C), located in coding exon 6 of the KIT gene, results from a G to C substitution at nucleotide position 999. The leucine at codon 333 is replaced by phenylalanine, an amino acid with highly similar properties. This amino acid position is conserved. In addition, the in silico prediction for this alteration is inconclusive. Based on the available evidence, the clinical significance of this variant remains unclear.